The following is an entry in ClinVar:

ClinVar aggregate classification (germline): Uncertain significance (1 of 4 stars; one submission).

Submission:

GeneDx
Classification: Uncertain significance. Last evaluated: 2025-04-14. Review status: criteria provided, single submitter. Criteria: GeneDx Variant Classification Process June 2021. Collection method: clinical testing. Allele origin: germline. Affected: yes.
Comment: Not observed at significant frequency in large population cohorts (gnomAD); In silico analysis supports that this missense variant has a deleterious effect on protein structure/function; Has not been previously published as pathogenic or benign to our knowledge

NM_003242.6(TGFBR2):c.782C>A (p.Ala261Asp)

Gene: TGFBR2 (transforming growth factor beta receptor 2; plus strand). Cytogenetic location: 3p24.1.
Variant type: single nucleotide variant.
Coding change: c.782C>A on transcript NM_003242.6 (MANE Select); coding-DNA position 782, C replaced by A.
Protein change: p.Ala261Asp; replaces alanine 261 with aspartic acid.
Molecular consequence: missense variant. On other transcripts: intron variant (1).
Genome position (GRCh38, 1-based): chr3:30,671,965, C>A. VCF-style: chr3-30671965-C-A. GRCh37 (hg19) VCF-style: chr3-30713457-C-A.
Other names: c.497C>A, p.Ala166Asp (NM_001407137.1); c.422C>A, p.Ala141Asp (NM_001407138.1); c.530-16422C>A (NM_001407139.1); c.857C>A, p.Ala286Asp (NM_001024847.3); c.965C>A, p.Ala322Asp (NM_001407126.1); c.890C>A, p.Ala297Asp (NM_001407127.1); c.809C>A, p.Ala270Asp (NM_001407128.1); c.785C>A, p.Ala262Asp (NM_001407129.1); and 2 more; short protein forms A141D, A166D, A226D, A261D, A262D, A270D, A286D, A297D.
Identifiers: ClinVar variation 4281924 (VCV004281924.1).